The following is an entry in ClinVar:

ClinVar aggregate classification (germline): Uncertain significance (1 of 4 stars; one submission).

Conditions:
Fanconi anemia (FA). Also called: Fanconi's anemia. Identifiers: Orphanet 84, MedGen C0015625, MeSH D005199, MONDO:0019391.

Allele frequency attached by ClinVar (database versions not stated): gnomAD exomes below 0.00001.
gnomAD v4.1: 5 of 1,612,842 alleles (0.00031%); highest among the groups gnomAD compares: East Asian, 0.0067%; no homozygotes.

Submission:

Labcorp Genetics (formerly Invitae), Labcorp
Classification: Uncertain significance for Fanconi anemia. Last evaluated: 2025-07-14. Review status: criteria provided, single submitter. Criteria: Invitae Variant Classification Sherloc (09022015). Collection method: clinical testing. Allele origin: germline.
Comment: This sequence change replaces lysine, which is basic and polar, with arginine, which is basic and polar, at codon 1916 of the FANCM protein (p.Lys1916Arg). This variant is present in population databases (no rsID available, gnomAD 0.006%). This variant has not been reported in the literature in individuals affected with FANCM-related conditions. ClinVar contains an entry for this variant (Variation ID: 839531). An algorithm developed to predict the effect of missense changes on protein structure and function (PolyPhen-2) suggests that this variant is likely to be disruptive. In summary, the available evidence is currently insufficient to determine the role of this variant in disease. Therefore, it has been classified as a Variant of Uncertain Significance.

NM_020937.4(FANCM):c.5747A>G (p.Lys1916Arg)

Gene: FANCM (FA complementation group M; plus strand). Cytogenetic location: 14q21.2.
Variant type: single nucleotide variant.
Coding change: c.5747A>G on transcript NM_020937.4 (MANE Select); coding-DNA position 5747, A replaced by G.
Protein change: p.Lys1916Arg; replaces lysine 1916 with arginine.
Molecular consequence: missense variant.
Genome position (GRCh38, 1-based): chr14:45,198,674, A>G. VCF-style: chr14-45198674-A-G. GRCh37 (hg19) VCF-style: chr14-45667877-A-G.
Other names: c.5669A>G, p.Lys1890Arg (NM_001308133.2); short protein forms K1890R, K1916R.
Identifiers: ClinVar variation 839531 (VCV000839531.7), dbSNP rs908307807, ClinGen allele CA259603080.
Genomic context (GRCh38, chr14:45,198,674, plus strand): 5'-GTTTGCCTTTCCCTAAATATGAATATTTAGGAGACACATCAAGGATGTTTAGGAGAACAA[A>G]GAGCTATGACAGCCTGCTGACTACCTTAATTGGCGCTGGAATCCGAATTCTTTTCAGTTC-3'
Protein context (NP_065988.1, residues 1906-1926): GDTSRMFRRT[Lys1916Arg]SYDSLLTTLI